The following is an entry in ClinVar:

NM_004519.4(KCNQ3):c.2491C>G (p.Arg831Gly)

Gene: KCNQ3 (potassium voltage-gated channel subfamily Q member 3; minus strand). Cytogenetic location: 8q24.22.
Variant type: single nucleotide variant.
Coding change: c.2491C>G on transcript NM_004519.4 (MANE Select); coding-DNA position 2491, C replaced by G.
Protein change: p.Arg831Gly; replaces arginine 831 with glycine.
Molecular consequence: missense variant.
Genome position (GRCh38, 1-based): chr8:132,129,390, G>C on the plus strand (C>G on the coding strand, the complement: KCNQ3 is on the minus strand). VCF-style: chr8-132129390-G-C. GRCh37 (hg19) VCF-style: chr8-133141637-G-C.
Other names: c.2131C>G, p.Arg711Gly (NM_001204824.2); short protein forms R711G, R831G.
Identifiers: ClinVar variation 1389060 (VCV001389060.8), dbSNP rs185628977, ClinGen allele CA185430054.
Genomic context (GRCh38, chr8:132,129,390, plus strand): 5'-TGGAGCCGCTGGGCGTGAAGGGGTCCGTGTCTGTGTCCGTCTCACCCTCGGCGAGGTACC[G>C]CTTCTCCCTCATCCAGCTCGACCCCCCATTGGGGCCGAACACATAATCATCTCTGTCCTG-3'
Protein context (NP_004510.1, residues 821-841): NGGSSWMREK[Arg831Gly]YLAEGETDTD

ClinVar aggregate classification (germline): Uncertain significance (1 of 4 stars; one submission).

Conditions:
Benign neonatal seizures. Also called: Benign familial neonatal seizures; Benign neonatal familial convulsions; Convulsions benign familial neonatal dominant form; Autosomal dominant form of benign neonatal seizures; Benign familial neonatal epilepsy. Identifiers: Orphanet 1949, MedGen C0220669, MONDO:0016027.

gnomAD v4.1: 3 of 1,614,052 alleles (0.00019%); highest among the groups gnomAD compares: African/African-American, 0.004%; no homozygotes.

Submission:

Labcorp Genetics (formerly Invitae), Labcorp
Classification: Uncertain significance for Benign neonatal seizures. Last evaluated: 2021-04-19. Review status: criteria provided, single submitter. Criteria: Invitae Variant Classification Sherloc (09022015). Collection method: clinical testing. Allele origin: germline.
Comment: In summary, the available evidence is currently insufficient to determine the role of this variant in disease. Therefore, it has been classified as a Variant of Uncertain Significance. Advanced modeling of protein sequence and biophysical properties (such as structural, functional, and spatial information, amino acid conservation, physicochemical variation, residue mobility, and thermodynamic stability) performed at Invitae indicates that this missense variant is not expected to disrupt KCNQ3 protein function. This variant has not been reported in the literature in individuals with KCNQ3-related conditions. This variant is not present in population databases (ExAC no frequency). This sequence change replaces arginine with glycine at codon 831 of the KCNQ3 protein (p.Arg831Gly). The arginine residue is highly conserved and there is a moderate physicochemical difference between arginine and glycine.